The following is an entry in ClinVar:

NM_018117.12(WDR11):c.109T>C (p.Tyr37His)

Gene: WDR11 (WD repeat domain 11; plus strand). Cytogenetic location: 10q26.12.
Variant type: single nucleotide variant.
Coding change: c.109T>C on transcript NM_018117.12 (MANE Select); coding-DNA position 109, T replaced by C.
Protein change: p.Tyr37His; replaces tyrosine 37 with histidine.
Molecular consequence: missense variant.
Genome position (GRCh38, 1-based): chr10:120,852,546, T>C. VCF-style: chr10-120852546-T-C. GRCh37 (hg19) VCF-style: chr10-122612058-T-C.
Other names: short protein forms Y37H.
Identifiers: ClinVar variation 2126770 (VCV002126770.4), dbSNP rs776728184, ClinGen allele CA378314968.
Genomic context (GRCh38, chr10:120,852,546, plus strand): 5'-TGTTCTGTACTTAAACTTTAACATTACTGTTTTGCTAGGGGCTGGCAAGGTTTAATTGCT[T>C]ATGGATGTCATTCACTTGTGGTAGTGATTGATTCCATTACTGCCCAAACTCTTCAAGTTT-3'
Protein context (NP_060587.8, residues 27-47): VDWGWQGLIA[Tyr37His]GCHSLVVVID

ClinVar aggregate classification (germline): Uncertain significance (1 of 4 stars; one submission).

Submission:

Labcorp Genetics (formerly Invitae), Labcorp
Classification: Uncertain significance. Last evaluated: 2022-10-22. Review status: criteria provided, single submitter. Criteria: Invitae Variant Classification Sherloc (09022015). Collection method: clinical testing. Allele origin: germline.
Comment: In summary, the available evidence is currently insufficient to determine the role of this variant in disease. Therefore, it has been classified as a Variant of Uncertain Significance. Algorithms developed to predict the effect of missense changes on protein structure and function are either unavailable or do not agree on the potential impact of this missense change (SIFT: "Deleterious"; PolyPhen-2: "Possibly Damaging"; Align-GVGD: "Class C0"). This variant has not been reported in the literature in individuals affected with WDR11-related conditions. This variant is not present in population databases (gnomAD no frequency). This sequence change replaces tyrosine, which is neutral and polar, with histidine, which is basic and polar, at codon 37 of the WDR11 protein (p.Tyr37His).